The following is an entry in ClinVar:

ClinVar aggregate classification (germline): Likely benign. Review status: criteria provided, multiple submitters, no conflicts (2 of 4 stars). 3 submissions from 3 submitters: Likely benign (3). Last evaluated 2024-07-18.

Conditions:
Hereditary cancer-predisposing syndrome. Also called: Neoplastic Syndromes, Hereditary; Hereditary neoplastic syndrome; Tumor predisposition; Hereditary Cancer Syndrome. Identifiers: Orphanet 140162, MedGen C0027672, MeSH D009386, MONDO:0015356.
Familial cancer of breast. Also called: hereditary breast carcinoma; Hereditary breast cancer; BREAST CANCER, FAMILIAL. Identifiers: Orphanet 227535, MedGen C0346153, MONDO:0016419, OMIM 114480. Disease mechanism: loss of function.

Submissions (3):

Myriad Genetics, Inc.
Classification: Likely benign for Familial cancer of breast. Last evaluated: 2024-07-18. Review status: criteria provided, single submitter. Criteria: Myriad Autosomal Dominant, Autosomal Recessive and X-Linked Classification Criteria (2023). Collection method: clinical testing. Allele origin: unknown.
Comment: This variant is considered likely benign. This variant is intronic and is not expected to impact mRNA splicing.

Labcorp Genetics (formerly Invitae), Labcorp
Classification: Likely benign for Familial cancer of breast. Last evaluated: 2018-12-05. Review status: criteria provided, single submitter. Criteria: Invitae Variant Classification Sherloc (09022015). Collection method: clinical testing. Allele origin: germline.

Color Diagnostics, LLC DBA Color Health
Classification: Likely benign for Hereditary cancer-predisposing syndrome. Last evaluated: 2018-11-16. Review status: criteria provided, single submitter. Criteria: ACMG Guidelines, 2015. Collection method: clinical testing. Allele origin: germline.

NM_000465.4(BARD1):c.158+9G>T

Gene: BARD1 (BRCA1 associated RING domain 1; minus strand). Cytogenetic location: 2q35.
Variant type: single nucleotide variant.
Coding change: c.158+9G>T on transcript NM_000465.4 (MANE Select); 9 bases into the intron after coding-DNA position 158, G replaced by T.
Molecular consequence: intron variant.
Genome position (GRCh38, 1-based): chr2:214,809,403, C>A on the plus strand (G>T on the coding strand, the complement: BARD1 is on the minus strand). VCF-style: chr2-214809403-C-A. GRCh37 (hg19) VCF-style: chr2-215674127-C-A.
Other names: c.158+9G>T (NM_001282548.2, NM_001282543.2, NM_001282545.2 and 1 more transcripts).
Identifiers: ClinVar variation 796626 (VCV000796626.14), dbSNP rs1574868837, ClinGen allele CA913188055.
Genomic context (GRCh38, chr2:214,809,403, plus strand): 5'-GATTCTGCCGCCCCCAGAAACTGTGCGACCCGTGCCCTCGCAGCCACCCCCAAGAAGCTC[C>A]GTCTTTACCAACGCGAGCAGCGCAGCAGCTTCTCCAGGCGGTCGAGCGCGGCGCGACTGT-3'